The following is an entry in ClinVar:

ClinVar aggregate classification (germline): Uncertain significance (1 of 4 stars; one submission).

gnomAD v4.1: 1 of 1,614,074 alleles (0.000062%); no homozygotes.

Submission:

GeneDx
Classification: Uncertain significance. Last evaluated: 2025-08-11. Review status: criteria provided, single submitter. Criteria: GeneDx Variant Classification Process June 2021. Collection method: clinical testing. Allele origin: germline. Affected: yes.
Comment: Not observed at significant frequency in large population cohorts (gnomAD); In silico analysis supports that this missense variant has a deleterious effect on protein structure/function; Has not been previously published as pathogenic or benign to our knowledge

NM_020120.4(UGGT1):c.4303A>G (p.Arg1435Gly)

Gene: UGGT1 (UDP-glucose glycoprotein glucosyltransferase 1; plus strand). Cytogenetic location: 2q14.3.
Variant type: single nucleotide variant.
Coding change: c.4303A>G on transcript NM_020120.4 (MANE Select); coding-DNA position 4303, A replaced by G.
Protein change: p.Arg1435Gly; replaces arginine 1435 with glycine.
Molecular consequence: missense variant. On other transcripts: non-coding transcript variant (1).
Genome position (GRCh38, 1-based): chr2:128,183,733, A>G. VCF-style: chr2-128183733-A-G. GRCh37 (hg19) VCF-style: chr2-128941307-A-G.
Other names: short protein forms R1435G.
Identifiers: ClinVar variation 4795530 (VCV004795530.1).